The following is an entry in ClinVar:

NM_006767.4(LZTR1):c.2135A>G (p.Glu712Gly)

Gene: LZTR1 (leucine zipper like post translational regulator 1; plus strand). Cytogenetic location: 22q11.21.
Variant type: single nucleotide variant.
Coding change: c.2135A>G on transcript NM_006767.4 (MANE Select); coding-DNA position 2135, A replaced by G.
Protein change: p.Glu712Gly; replaces glutamic acid 712 with glycine.
Molecular consequence: missense variant.
Genome position (GRCh38, 1-based): chr22:20,996,028, A>G. VCF-style: chr22-20996028-A-G. GRCh37 (hg19) VCF-style: chr22-21350317-A-G.
Other names: short protein forms E712G.
Identifiers: ClinVar variation 3238206 (VCV003238206.1), dbSNP rs2518624562.

ClinVar aggregate classification (germline): Uncertain significance (1 of 4 stars; one submission).

Conditions:
Hereditary cancer-predisposing syndrome. Also called: Neoplastic Syndromes, Hereditary; Tumor predisposition; Hereditary neoplastic syndrome; Hereditary Cancer Syndrome. Identifiers: Orphanet 140162, MedGen C0027672, MeSH D009386, MONDO:0015356.
Cardiovascular phenotype. Identifiers: MedGen CN230736.

Allele frequency attached by ClinVar (database versions not stated): gnomAD exomes below 0.00001.
gnomAD v4.1: 1 of 1,613,566 alleles (0.000062%); highest among the groups gnomAD compares: Non-Finnish European, 0.000085%; no homozygotes.

Submission:

Ambry Genetics
Classification: Uncertain significance for Cardiovascular phenotype; Hereditary cancer-predisposing syndrome. Last evaluated: 2023-04-23. Review status: criteria provided, single submitter. Criteria: Ambry Variant Classification Scheme 2023. Collection method: clinical testing. Allele origin: germline.
Comment: The p.E712G variant (also known as c.2135A>G), located in coding exon 18 of the LZTR1 gene, results from an A to G substitution at nucleotide position 2135. The glutamic acid at codon 712 is replaced by glycine, an amino acid with similar properties. This amino acid position is conserved. In addition, this alteration is predicted to be deleterious by in silico analysis. Since supporting evidence is limited at this time, the clinical significance of this alteration remains unclear.